The following is an entry in ClinVar:

ClinVar aggregate classification (germline): Uncertain significance. Review status: criteria provided, multiple submitters, no conflicts (2 of 4 stars). 2 submissions from 2 submitters: Uncertain significance (2). Last evaluated 2023-07-11.

Allele frequency attached by ClinVar (database versions not stated): ExAC 0.00008.
gnomAD v4.1: 21 of 1,568,088 alleles (0.0013%); highest among the groups gnomAD compares: East Asian, 0.049%; no homozygotes.

Submissions (2):

Ambry Genetics
Classification: Uncertain significance. Last evaluated: 2023-07-11. Review status: criteria provided, single submitter. Criteria: Ambry Variant Classification Scheme 2023. Collection method: clinical testing. Allele origin: germline.

Labcorp Genetics (formerly Invitae), Labcorp
Classification: Uncertain significance. Last evaluated: 2022-10-12. Review status: criteria provided, single submitter. Criteria: Invitae Variant Classification Sherloc (09022015). Collection method: clinical testing. Allele origin: germline.
Comment: This sequence change replaces alanine, which is neutral and non-polar, with threonine, which is neutral and polar, at codon 18 of the WNT2B protein (p.Ala18Thr). This variant is present in population databases (rs3828075, gnomAD 0.06%). This variant has not been reported in the literature in individuals affected with WNT2B-related conditions. Algorithms developed to predict the effect of missense changes on protein structure and function output the following: SIFT: "Tolerated"; PolyPhen-2: "Possibly Damaging"; Align-GVGD: "Class C0". The threonine amino acid residue is found in multiple mammalian species, which suggests that this missense change does not adversely affect protein function. In summary, the available evidence is currently insufficient to determine the role of this variant in disease. Therefore, it has been classified as a Variant of Uncertain Significance.

NM_024494.3(WNT2B):c.52G>A (p.Ala18Thr)

Genes: WNT2B (Wnt family member 2B; plus strand), LOC122094899 (Sharpr-MPRA regulatory region 8072; plus strand). Cytogenetic location: 1p13.2.
Variant type: single nucleotide variant.
Coding change: c.52G>A on transcript NM_024494.3 (MANE Select); coding-DNA position 52, G replaced by A.
Protein change: p.Ala18Thr; replaces alanine 18 with threonine.
Molecular consequence: missense variant. On other transcripts: intron variant (2).
Genome position (GRCh38, 1-based): chr1:112,509,314, G>A. VCF-style: chr1-112509314-G-A. GRCh37 (hg19) VCF-style: chr1-113051936-G-A.
Other names: c.126-5560G>A (NM_004185.4); c.-94-5560G>A (NM_001291880.1); c.52G>A (NM_024494.2); short protein forms A18T.
Identifiers: ClinVar variation 1973531 (VCV001973531.4), dbSNP rs3828075, ClinGen allele CA1008159.